The following is an entry in ClinVar:

NM_005334.3(HCFC1):c.5949C>T (p.Ile1983=)

Gene: HCFC1 (host cell factor C1; minus strand). Cytogenetic location: Xq28.
Variant type: single nucleotide variant.
Coding change: c.5949C>T on transcript NM_005334.3 (MANE Select); coding-DNA position 5949, C replaced by T.
Protein change: p.Ile1983=; no amino-acid change (isoleucine 1983 retained).
Molecular consequence: synonymous variant.
Genome position (GRCh38, 1-based): chrX:153,950,298, G>A on the plus strand (C>T on the coding strand, the complement: HCFC1 is on the minus strand). VCF-style: chrX-153950298-G-A. GRCh37 (hg19) VCF-style: chrX-153215749-G-A.
Identifiers: ClinVar variation 512560 (VCV000512560.4), dbSNP rs372071273, ClinGen allele CA10556715.

ClinVar aggregate classification (germline): Benign/Likely benign. Review status: criteria provided, multiple submitters, no conflicts (2 of 4 stars). 2 submissions from 2 submitters: Benign (1); Likely benign (1). Last evaluated 2026-01-11.

Conditions:
Methylmalonic acidemia with homocystinuria, type cblX (MAHCX). Also called: INTELLECTUAL DEVELOPMENTAL DISORDER, X-LINKED 3. Identifiers: Orphanet 369962, MedGen C0796208, MONDO:0010657, OMIM 309541.

Allele frequency attached by ClinVar (database versions not stated): gnomAD exomes 0.00002 and 0.00003; ExAC 0.00004; gnomAD 0.00005 and 0.00006; TOPMed 0.00008; ESP Exome Variant Server 0.00010.
gnomAD v4.1: 31 of 1,206,515 alleles (0.0026%); highest among the groups gnomAD compares: African/African-American, 0.01%; no homozygotes.

Submissions (2):

Labcorp Genetics (formerly Invitae), Labcorp
Classification: Benign for Methylmalonic acidemia with homocystinuria, type cblX. Last evaluated: 2026-01-11. Review status: criteria provided, single submitter. Criteria: Invitae Variant Classification Sherloc (09022015). Collection method: clinical testing. Allele origin: germline.

GeneDx
Classification: Likely benign. Last evaluated: 2017-10-20. Review status: criteria provided, single submitter. Criteria: GeneDx Variant Classification (06012015). Collection method: clinical testing. Allele origin: germline. Affected: yes.
Comment: This variant is considered likely benign or benign based on one or more of the following criteria: it is a conservative change, it occurs at a poorly conserved position in the protein, it is predicted to be benign by multiple in silico algorithms, and/or has population frequency not consistent with disease.